The following is an entry in ClinVar:

ClinVar aggregate classification (germline): Benign/Likely benign. Review status: criteria provided, multiple submitters, no conflicts (2 of 4 stars). 3 submissions from 3 submitters: Benign (1); Likely benign (2). Last evaluated 2025-05-13.

Conditions:
Tuberous sclerosis 2 (TSC2). Identifiers: Orphanet 805, MedGen C1860707, MONDO:0013199, OMIM 613254.
Hereditary cancer-predisposing syndrome. Also called: Hereditary Cancer Syndrome; Hereditary neoplastic syndrome; Neoplastic Syndromes, Hereditary; Tumor predisposition. Identifiers: Orphanet 140162, MedGen C0027672, MeSH D009386, MONDO:0015356.

Submissions (3):

Myriad Genetics, Inc.
Classification: Benign for Tuberous sclerosis 2. Last evaluated: 2025-05-13. Review status: criteria provided, single submitter. Criteria: Myriad Autosomal Dominant, Autosomal Recessive and X-Linked Classification Criteria (2023). Collection method: clinical testing. Allele origin: unknown.
Comment: This variant is considered benign. This variant is a silent/synonymous amino acid change and it is not expected to impact splicing.

Ambry Genetics
Classification: Likely benign for Hereditary cancer-predisposing syndrome. Last evaluated: 2023-10-23. Review status: criteria provided, single submitter. Criteria: Ambry Variant Classification Scheme 2023. Collection method: clinical testing. Allele origin: germline.

Labcorp Genetics (formerly Invitae), Labcorp
Classification: Likely benign for Tuberous sclerosis 2. Last evaluated: 2023-04-23. Review status: criteria provided, single submitter. Criteria: Invitae Variant Classification Sherloc (09022015). Collection method: clinical testing. Allele origin: germline.

NM_000548.5(TSC2):c.1080T>C (p.Ile360=)

Gene: TSC2 (TSC complex subunit 2; plus strand). Cytogenetic location: 16p13.3.
Variant type: single nucleotide variant.
Coding change: c.1080T>C on transcript NM_000548.5 (MANE Select); coding-DNA position 1080, T replaced by C.
Protein change: p.Ile360=; no amino-acid change (isoleucine 360 retained).
Molecular consequence: synonymous variant.
Genome position (GRCh38, 1-based): chr16:2,060,774, T>C. VCF-style: chr16-2060774-T-C. GRCh37 (hg19) VCF-style: chr16-2110775-T-C.
Other names: c.1080T>C, p.Ile360= (NM_001077183.3, NM_001114382.3, NM_001363528.2 and 3 more transcripts); c.969T>C, p.Ile323= (NM_001318827.2); c.933T>C, p.Ile311= (NM_001318829.2); c.480T>C, p.Ile160= (NM_001318831.2); c.1113T>C, p.Ile371= (NM_001318832.2); c.1080T>C (NM_000548.3).
Identifiers: ClinVar variation 1147691 (VCV001147691.11), dbSNP rs2086534827, ClinGen allele CA492961052.
Genomic context (GRCh38, chr16:2,060,774, plus strand): 5'-GTCCATCACCAGGCTCATCAAGAAGTATAGGAAGGAGCTCCAGGTGGTGGCGTGGGACAT[T>C]CTGCTGAACATCATCGAACGGCTCCTTCAGCAGCTCCAGGTGGGGTGGGGGCAGGAGCTC-3'
Protein context (NP_000539.2, residues 350-370): RKELQVVAWD[Ile360=]LLNIIERLLQ